The following is an entry in ClinVar:

ClinVar aggregate classification (germline): Uncertain significance (1 of 4 stars; one submission).

Submission:

Labcorp Genetics (formerly Invitae), Labcorp
Classification: Uncertain significance. Last evaluated: 2022-07-11. Review status: criteria provided, single submitter. Criteria: Invitae Variant Classification Sherloc (09022015). Collection method: clinical testing. Allele origin: germline.
Comment: In summary, the available evidence is currently insufficient to determine the role of this variant in disease. Therefore, it has been classified as a Variant of Uncertain Significance. This variant has not been reported in the literature in individuals affected with RIPPLY2-related conditions. A gross deletion of the genomic region encompassing the full coding sequence of the RIPPLY2 gene has been identified. The current clinical and genetic evidence is not sufficient to establish whether loss-of-function variants in RIPPLY2 cause disease. The boundaries of this event are unknown as they extend beyond the assayed region for this gene and therefore may encompass additional genes.

NC_000006.11:g.(?_84563136)_(84567108_?)del

Gene: RIPPLY2 (ripply transcriptional repressor 2; plus strand). Cytogenetic location: 6q14.2.
Variant type: Deletion.
Identifiers: ClinVar variation 2423463 (VCV002423463.4).